The following is an entry in ClinVar:

NM_024312.5(GNPTAB):c.3602+348C>T

Gene: GNPTAB (N-acetylglucosamine-1-phosphate transferase subunits alpha and beta; minus strand). Cytogenetic location: 12q23.2.
Variant type: single nucleotide variant.
Coding change: c.3602+348C>T on transcript NM_024312.5 (MANE Select); 348 bases into the intron after coding-DNA position 3602, C replaced by T.
Molecular consequence: intron variant.
Genome position (GRCh38, 1-based): chr12:101,753,024, G>A on the plus strand (C>T on the coding strand, the complement: GNPTAB is on the minus strand). VCF-style: chr12-101753024-G-A. GRCh37 (hg19) VCF-style: chr12-102146802-G-A.
Identifiers: ClinVar variation 3025252 (VCV003025252.22), dbSNP rs189622013, ClinGen allele CA242447191.

ClinVar aggregate classification (germline): Likely benign (1 of 4 stars; one submission).

Allele frequency attached by ClinVar (database versions not stated): gnomAD 0.00143; TOPMed 0.00163; 1000 Genomes Project 0.00419; 1000 Genomes Project 30x 0.00437.
gnomAD v4.1: 215 of 152,188 alleles (0.14%); highest among the groups gnomAD compares: African/African-American, 0.44%; 2 homozygotes.

Submission:

CeGaT Center for Human Genetics Tuebingen
Classification: Likely benign. Last evaluated: 2024-01-01. Review status: criteria provided, single submitter. Criteria: CeGaT Center For Human Genetics Tuebingen Variant Classification Criteria Version 2. Collection method: clinical testing. Allele origin: germline. Affected: yes. Observed: 1 variant allele.
Comment: GNPTAB: BS2